The following is an entry in ClinVar:

ClinVar aggregate classification (germline): Benign (0 of 4 stars; one submission).

Conditions:
SLC7A5-related disorder. Also called: SLC7A5-related condition.

Allele frequency attached by ClinVar (database versions not stated): ESP Exome Variant Server 0.00023; gnomAD exomes 0.00238; gnomAD 0.00429; TOPMed 0.00776; 1000 Genomes Project 0.00998; ExAC 0.01006; 1000 Genomes Project 30x 0.01093.
gnomAD v4.1: 4,058 of 1,599,234 alleles (0.25%); highest among the groups gnomAD compares: Admixed American, 6%; 142 homozygotes.

Submission:

PreventionGenetics, part of Exact Sciences
Classification: Benign for SLC7A5-related condition. Last evaluated: 2019-12-23. Review status: no assertion criteria provided. Collection method: clinical testing. Allele origin: germline.
Comment: This variant is classified as benign based on ACMG/AMP sequence variant interpretation guidelines (Richards et al. 2015 PMID: 25741868, with internal and published modifications).

NM_003486.7(SLC7A5):c.1347C>G (p.Val449=)

Gene: SLC7A5 (solute carrier family 7 member 5; minus strand). Cytogenetic location: 16q24.2.
Variant type: single nucleotide variant.
Coding change: c.1347C>G on transcript NM_003486.7 (MANE Select); coding-DNA position 1347, C replaced by G.
Protein change: p.Val449=; no amino-acid change (valine 449 retained).
Molecular consequence: synonymous variant.
Genome position (GRCh38, 1-based): chr16:87,834,535, G>C on the plus strand (C>G on the coding strand, the complement: SLC7A5 is on the minus strand). VCF-style: chr16-87834535-G-C. GRCh37 (hg19) VCF-style: chr16-87868141-G-C.
Identifiers: ClinVar variation 3043891 (VCV003043891.2), dbSNP rs11541881, ClinGen allele CA8222683.